The following is an entry in ClinVar:

ClinVar aggregate classification (germline): Benign/Likely benign. Review status: criteria provided, multiple submitters, no conflicts (2 of 4 stars). 3 submissions from 3 submitters: Benign (1); Likely benign (2). Last evaluated 2025-09-28.

Conditions:
Hereditary cancer-predisposing syndrome. Also called: Hereditary neoplastic syndrome; Neoplastic Syndromes, Hereditary; Tumor predisposition; Hereditary Cancer Syndrome. Identifiers: Orphanet 140162, MedGen C0027672, MeSH D009386, MONDO:0015356.
Familial adenomatous polyposis 1 (FAP1). Also called: FAMILIAL ADENOMATOUS POLYPOSIS 1, ATTENUATED; POLYPOSIS, ADENOMATOUS INTESTINAL. Identifiers: MedGen C2713442, MONDO:0021056, OMIM 175100. Disease mechanism: loss of function.

gnomAD v4.1: 3 of 1,613,750 alleles (0.00019%); highest among the groups gnomAD compares: South Asian, 0.0022%; no homozygotes.

Submissions (3):

Ambry Genetics
Classification: Likely benign for Hereditary cancer-predisposing syndrome. Last evaluated: 2025-09-28. Review status: criteria provided, single submitter. Criteria: Ambry Variant Classification Scheme 2023. Collection method: clinical testing. Allele origin: germline.

Labcorp Genetics (formerly Invitae), Labcorp
Classification: Likely benign for Familial adenomatous polyposis 1. Last evaluated: 2025-01-07. Review status: criteria provided, single submitter. Criteria: Invitae Variant Classification Sherloc (09022015). Collection method: clinical testing. Allele origin: germline.

Myriad Genetics, Inc.
Classification: Benign for Familial adenomatous polyposis 1. Last evaluated: 2024-04-08. Review status: criteria provided, single submitter. Criteria: Myriad Autosomal Dominant, Autosomal Recessive and X-Linked Classification Criteria (2023). Collection method: clinical testing. Allele origin: unknown.
Comment: This variant is considered benign. This variant is a silent/synonymous amino acid change and it is not expected to impact splicing.

NM_000038.6(APC):c.6975C>T (p.Gly2325=)

Gene: APC (APC regulator of Wnt signaling pathway; plus strand). Cytogenetic location: 5q22.2.
Variant type: single nucleotide variant.
Coding change: c.6975C>T on transcript NM_000038.6 (MANE Select); coding-DNA position 6975, C replaced by T.
Protein change: p.Gly2325=; no amino-acid change (glycine 2325 retained).
Molecular consequence: synonymous variant.
Genome position (GRCh38, 1-based): chr5:112,842,569, C>T. VCF-style: chr5-112842569-C-T. GRCh37 (hg19) VCF-style: chr5-112178266-C-T.
Other names: c.6891C>T, p.Gly2297= (NM_001354899.2); c.6852C>T, p.Gly2284= (NM_001354900.2); c.6798C>T, p.Gly2266= (NM_001354901.2); c.6702C>T, p.Gly2234= (NM_001354902.2); c.6672C>T, p.Gly2224= (NM_001354903.2); c.6597C>T, p.Gly2199= (NM_001354904.2); c.6495C>T, p.Gly2165= (NM_001354905.2); c.6126C>T, p.Gly2042= (NM_001354906.2); and 6 more.
Identifiers: ClinVar variation 1147107 (VCV001147107.12), dbSNP rs2149977432, ClinGen allele CA446210622.